The following is an entry in ClinVar:

NM_001040108.2(MLH3):c.1376A>G (p.Gln459Arg)

Gene: MLH3 (mutL homolog 3; minus strand). Cytogenetic location: 14q24.3.
Variant type: single nucleotide variant.
Coding change: c.1376A>G on transcript NM_001040108.2 (MANE Select); coding-DNA position 1376, A replaced by G.
Protein change: p.Gln459Arg; replaces glutamine 459 with arginine.
Molecular consequence: missense variant.
Genome position (GRCh38, 1-based): chr14:75,048,280, T>C on the plus strand (A>G on the coding strand, the complement: MLH3 is on the minus strand). VCF-style: chr14-75048280-T-C. GRCh37 (hg19) VCF-style: chr14-75514983-T-C.
Other names: c.1376A>G, p.Gln459Arg (NM_014381.3); short protein forms Q459R.
Identifiers: ClinVar variation 3396709 (VCV003396709.1).
Genomic context (GRCh38, chr14:75,048,280, plus strand): 5'-GATGCTACAATTGTCTCTTGTTCTAACATCTTTGATTCTGAGCAAGAGCTGTCTTTGTTT[T>C]GTAAAGATGGCTCTGTCATTTTGCTATGGCCTGGACCACCTGATTCATAAATGTACAAAA-3'
Protein context (NP_001035197.1, residues 449-469): GHSKMTEPSL[Gln459Arg]NKDSSCSESK

ClinVar aggregate classification (germline): Uncertain significance (1 of 4 stars; one submission).

gnomAD v4.1: 3 of 1,614,094 alleles (0.00019%); highest among the groups gnomAD compares: Non-Finnish European, 0.00025%; no homozygotes.

Submission:

Ambry Genetics
Classification: Uncertain significance. Last evaluated: 2024-09-06. Review status: criteria provided, single submitter. Criteria: Ambry Variant Classification Scheme 2023. Collection method: clinical testing. Allele origin: germline.
Comment: The p.Q459R variant (also known as c.1376A>G), located in coding exon 1 of the MLH3 gene, results from an A to G substitution at nucleotide position 1376. The glutamine at codon 459 is replaced by arginine, an amino acid with highly similar properties. This amino acid position is conserved. In addition, this alteration is predicted to be tolerated by in silico analysis. Based on the available evidence, the clinical significance of this variant remains unclear.